The following is an entry in ClinVar:

NM_001197104.2(KMT2A):c.4889G>A (p.Arg1630Gln)

Gene: KMT2A (lysine methyltransferase 2A; plus strand). Cytogenetic location: 11q23.3.
Variant type: single nucleotide variant.
Coding change: c.4889G>A on transcript NM_001197104.2 (MANE Select); coding-DNA position 4889, G replaced by A.
Protein change: p.Arg1630Gln; replaces arginine 1630 with glutamine.
Molecular consequence: missense variant.
Genome position (GRCh38, 1-based): chr11:118,491,813, G>A. VCF-style: chr11-118491813-G-A. GRCh37 (hg19) VCF-style: chr11-118362528-G-A.
Other names: c.4880G>A, p.Arg1627Gln (NM_005933.4); short protein forms R1627Q, R1630Q.
Identifiers: ClinVar variation 724065 (VCV000724065.32), dbSNP rs143317202, ClinGen allele CA6303967.
Genomic context (GRCh38, chr11:118,491,813, plus strand): 5'-ATGAGATTCTATCTAATCTGCCAGAAAGTGTGGCCTACACTTGTGTGAACTGTACTGAGC[G>A]GCACCCTGCAGAGTGGCGACTGGCCCTTGAAAAAGAGCTGCAGATTTCTCTGAAGCAAGT-3'
Protein context (NP_001184033.1, residues 1620-1640): VAYTCVNCTE[Arg1630Gln]HPAEWRLALE

ClinVar aggregate classification (germline): Benign/Likely benign. Review status: criteria provided, multiple submitters, no conflicts (2 of 4 stars). 3 submissions from 3 submitters: Benign (1); Likely benign (1). 1 of the submissions does not count toward it. Last evaluated 2026-01-12.

Conditions:
KMT2A-related disorder. Also called: KMT2A-related condition.

Allele frequency attached by ClinVar (database versions not stated): gnomAD 0.00005 and 0.00006; TOPMed 0.00008; ExAC 0.00011; gnomAD exomes 0.00012; ESP Exome Variant Server 0.00015; 1000 Genomes Project 30x 0.00016; 1000 Genomes Project 0.00020.
gnomAD v4.1: 177 of 1,614,002 alleles (0.011%); highest among the groups gnomAD compares: Admixed American, 0.017%; no homozygotes.

Submissions (3):

Labcorp Genetics (formerly Invitae), Labcorp
Classification: Benign. Last evaluated: 2026-01-12. Review status: criteria provided, single submitter. Criteria: Invitae Variant Classification Sherloc (09022015). Collection method: clinical testing. Allele origin: germline.

CeGaT Center for Human Genetics Tuebingen
Classification: Likely benign. Last evaluated: 2024-02-01. Review status: criteria provided, single submitter. Criteria: CeGaT Center For Human Genetics Tuebingen Variant Classification Criteria Version 2. Collection method: clinical testing. Allele origin: germline. Affected: yes. Observed: 1 variant allele.
Comment: KMT2A: BP4

PreventionGenetics, part of Exact Sciences
Classification: Likely benign for KMT2A-related condition. Last evaluated: 2023-06-08. Review status: no assertion criteria provided. Collection method: clinical testing. Allele origin: germline. Not counted in ClinVar's aggregate classification.
Comment: This variant is classified as likely benign based on ACMG/AMP sequence variant interpretation guidelines (Richards et al. 2015 PMID: 25741868, with internal and published modifications).